The following is an entry in ClinVar:

ClinVar aggregate classification (germline): Uncertain significance (1 of 4 stars; one submission).

Allele frequency attached by ClinVar (database versions not stated): gnomAD exomes below 0.00001.
gnomAD v4.1: 1 of 1,613,760 alleles (0.000062%); highest among the groups gnomAD compares: Non-Finnish European, 0.000085%; no homozygotes.

Submission:

Labcorp Genetics (formerly Invitae), Labcorp
Classification: Uncertain significance. Last evaluated: 2025-10-01. Review status: criteria provided, single submitter. Criteria: Invitae Variant Classification Sherloc (09022015). Collection method: clinical testing. Allele origin: germline.
Comment: This sequence change replaces glutamic acid, which is acidic and polar, with glycine, which is neutral and non-polar, at codon 2571 of the FAT4 protein (p.Glu2571Gly). This variant is not present in population databases (gnomAD no frequency). This variant has not been reported in the literature in individuals affected with FAT4-related conditions. ClinVar contains an entry for this variant (Variation ID: 2781155). Invitae Evidence Modeling of protein sequence and biophysical properties (such as structural, functional, and spatial information, amino acid conservation, physicochemical variation, residue mobility, and thermodynamic stability) has been performed for this missense variant. However, the output from this modeling did not meet the statistical confidence thresholds required to predict the impact of this variant on FAT4 protein function. In summary, the available evidence is currently insufficient to determine the role of this variant in disease. Therefore, it has been classified as a Variant of Uncertain Significance.

NM_001291303.3(FAT4):c.7718A>G (p.Glu2573Gly)

Gene: FAT4 (FAT atypical cadherin 4; plus strand). Cytogenetic location: 4q28.1.
Variant type: single nucleotide variant.
Coding change: c.7718A>G on transcript NM_001291303.3 (MANE Select); coding-DNA position 7718, A replaced by G.
Protein change: p.Glu2573Gly; replaces glutamic acid 2573 with glycine.
Molecular consequence: missense variant.
Genome position (GRCh38, 1-based): chr4:125,448,728, A>G. VCF-style: chr4-125448728-A-G. GRCh37 (hg19) VCF-style: chr4-126369883-A-G.
Other names: c.7718A>G, p.Glu2573Gly (NM_001291285.3); c.7712A>G, p.Glu2571Gly (NM_024582.6); short protein forms E2571G, E2573G.
Identifiers: ClinVar variation 2781155 (VCV002781155.3), dbSNP rs2530890664, ClinGen allele CA358141320.